The following is an entry in ClinVar:

NM_001163435.3(TBCK):c.697C>G (p.His233Asp)

Gene: TBCK (TBC1 domain containing kinase; minus strand). Cytogenetic location: 4q24.
Variant type: single nucleotide variant.
Coding change: c.697C>G on transcript NM_001163435.3 (MANE Select); coding-DNA position 697, C replaced by G.
Protein change: p.His233Asp; replaces histidine 233 with aspartic acid.
Molecular consequence: missense variant.
Genome position (GRCh38, 1-based): chr4:106,248,944, G>C on the plus strand (C>G on the coding strand, the complement: TBCK is on the minus strand). VCF-style: chr4-106248944-G-C. GRCh37 (hg19) VCF-style: chr4-107170101-G-C.
Other names: c.697C>G, p.His233Asp (NM_001163436.4); c.580C>G, p.His194Asp (NM_001163437.3); c.181C>G, p.His61Asp (NM_001290768.2); c.508C>G, p.His170Asp (NM_033115.5); short protein forms H233D, H61D, H194D, H170D.
Identifiers: ClinVar variation 1988739 (VCV001988739.4), dbSNP rs1192508909, ClinGen allele CA357825122.

ClinVar aggregate classification (germline): Uncertain significance (1 of 4 stars; one submission).

gnomAD v4.1: 3 of 1,607,826 alleles (0.00019%); highest among the groups gnomAD compares: Admixed American, 0.0017%; no homozygotes.

Submission:

Labcorp Genetics (formerly Invitae), Labcorp
Classification: Uncertain significance. Last evaluated: 2022-05-12. Review status: criteria provided, single submitter. Criteria: Invitae Variant Classification Sherloc (09022015). Collection method: clinical testing. Allele origin: germline.
Comment: In summary, the available evidence is currently insufficient to determine the role of this variant in disease. Therefore, it has been classified as a Variant of Uncertain Significance. Algorithms developed to predict the effect of missense changes on protein structure and function are either unavailable or do not agree on the potential impact of this missense change (SIFT: "Deleterious"; PolyPhen-2: "Possibly Damaging"; Align-GVGD: "Class C0"). This variant has not been reported in the literature in individuals affected with TBCK-related conditions. This variant is present in population databases (no rsID available, gnomAD no frequency). This sequence change replaces histidine, which is basic and polar, with aspartic acid, which is acidic and polar, at codon 233 of the TBCK protein (p.His233Asp).